The following is an entry in ClinVar:

NM_000540.3(RYR1):c.2683G>A (p.Val895Ile)

Gene: RYR1 (ryanodine receptor 1; plus strand). Cytogenetic location: 19q13.2.
Variant type: single nucleotide variant.
Coding change: c.2683G>A on transcript NM_000540.3 (MANE Select); coding-DNA position 2683, G replaced by A.
Protein change: p.Val895Ile; replaces valine 895 with isoleucine.
Molecular consequence: missense variant.
Genome position (GRCh38, 1-based): chr19:38,463,747, G>A. VCF-style: chr19-38463747-G-A. GRCh37 (hg19) VCF-style: chr19-38954387-G-A.
Other names: c.2683G>A, p.Val895Ile (NM_001042723.2); short protein forms V895I.
Identifiers: ClinVar variation 2153458 (VCV002153458.2), dbSNP rs757250317, ClinGen allele CA063777.

ClinVar aggregate classification (germline): Uncertain significance. Review status: criteria provided, multiple submitters, no conflicts (2 of 4 stars). 2 submissions from 2 submitters: Uncertain significance (2). Last evaluated 2024-03-24.

Conditions:
RYR1-related disorder. Also called: RYR1-related disorders; RYR1-related condition. Identifiers: MedGen CN239331.
Malignant hyperthermia, susceptibility to, 1 (MHS1). Also called: Malignant hyperthermia suceptibility 1; Anesthesia related hyperthermia; Malignant hyperpyrexia; Fulminating hyperpyrexia; Pharmacogenic myopathy; RYR1-Related Malignant Hyperthermia Susceptibility. Identifiers: Orphanet 423, MedGen C2930980, MONDO:0007783, OMIM 145600.

Allele frequency attached by ClinVar (database versions not stated): ExAC 0.00002; gnomAD exomes 0.00002.
gnomAD v4.1: 23 of 1,614,088 alleles (0.0014%); highest among the groups gnomAD compares: South Asian, 0.025%; no homozygotes.

Submissions (2):

All of Us Research Program, National Institutes of Health
Classification: Uncertain significance for Malignant hyperthermia, susceptibility to, 1. Last evaluated: 2024-03-24. Review status: criteria provided, single submitter. Criteria: ACMG Guidelines, 2015. Collection method: clinical testing. Allele origin: germline. Inheritance: Autosomal dominant inheritance. Observed: 1 variant allele, 1 heterozygote.
Comment: This missense variant replaces valine with isoleucine at codon 895 of the RYR1 protein. Computational prediction suggests that this variant may not impact protein structure and function (internally defined REVEL score threshold <= 0.5, PMID: 27666373). To our knowledge, functional studies have not been reported for this variant. This variant has not been reported in individuals affected with RYR1-related disorders in the literature. This variant has been identified in 6/251484 chromosomes in the general population by the Genome Aggregation Database (gnomAD). The available evidence is insufficient to determine the role of this variant in disease conclusively. Therefore, this variant is classified as a Variant of Uncertain Significance.

This study involves interpretation of variants in research participants for the purpose of population health screening. Participant phenotype was not available at the time of variant classification. Additional details can be found in publication PMID: 35346344, PMCID: PMC8962531

Labcorp Genetics (formerly Invitae), Labcorp
Classification: Uncertain significance for RYR1-related disorder. Last evaluated: 2022-01-17. Review status: criteria provided, single submitter. Criteria: Invitae Variant Classification Sherloc (09022015). Collection method: clinical testing. Allele origin: germline.
Comment: This sequence change replaces valine, which is neutral and non-polar, with isoleucine, which is neutral and non-polar, at codon 895 of the RYR1 protein (p.Val895Ile). This variant is present in population databases (rs757250317, gnomAD 0.02%). This variant has not been reported in the literature in individuals affected with RYR1-related conditions. Algorithms developed to predict the effect of missense changes on protein structure and function are either unavailable or do not agree on the potential impact of this missense change (SIFT: "Deleterious"; PolyPhen-2: "Benign"; Align-GVGD: "Class C0"). In summary, the available evidence is currently insufficient to determine the role of this variant in disease. Therefore, it has been classified as a Variant of Uncertain Significance.